The following is an entry in ClinVar:

ClinVar aggregate classification (germline): Likely benign. Review status: criteria provided, multiple submitters, no conflicts (2 of 4 stars). 3 submissions from 3 submitters: Likely benign (2). 1 of the submissions does not count toward it. Last evaluated 2025-12-26.

Conditions:
Idiopathic generalized epilepsy. Also called: Generalised epilepsy; EIG. Identifiers: MedGen C0270850, MONDO:0005579, OMIM 600669.
Hyperaldosteronism, familial, type IV (HALD4). Also called: FH IV; ALDOSTERONISM, PRIMARY, AND HYPERTENSION. Identifiers: Orphanet 642671, MedGen C4310756, MONDO:0014875, OMIM 617027.
CACNA1H-related disorder.
Epilepsy, childhood absence, susceptibility to, 6. Identifiers: Orphanet 64280, MedGen C2749872, MONDO:0012763, OMIM 611942.

Allele frequency attached by ClinVar (database versions not stated): gnomAD exomes 0.00003; gnomAD 0.00009; TOPMed 0.00010.
gnomAD v4.1: 133 of 1,548,242 alleles (0.0086%); highest among the groups gnomAD compares: Middle Eastern, 0.05%; 1 homozygote.

Submissions (3):

Labcorp Genetics (formerly Invitae), Labcorp
Classification: Likely benign for Idiopathic generalized epilepsy; Hyperaldosteronism, familial, type IV. Last evaluated: 2025-12-26. Review status: criteria provided, single submitter. Criteria: Invitae Variant Classification Sherloc (09022015). Collection method: clinical testing. Allele origin: germline.

Fulgent Genetics
Classification: Likely benign for Epilepsy, childhood absence, susceptibility to, 6; Hyperaldosteronism, familial, type IV. Last evaluated: 2021-12-07. Review status: criteria provided, single submitter. Criteria: ACMG Guidelines, 2015. Collection method: clinical testing. Allele origin: unknown.

PreventionGenetics, part of Exact Sciences
Classification: Likely benign for CACNA1H-related condition. Last evaluated: 2019-05-03. Review status: no assertion criteria provided. Collection method: clinical testing. Allele origin: germline. Not counted in ClinVar's aggregate classification.
Comment: This variant is classified as likely benign based on ACMG/AMP sequence variant interpretation guidelines (Richards et al. 2015 PMID: 25741868, with internal and published modifications).

NM_021098.3(CACNA1H):c.3543C>T (p.Asp1181=)

Gene: CACNA1H (calcium voltage-gated channel subunit alpha1 H; plus strand). Cytogenetic location: 16p13.3.
Variant type: single nucleotide variant.
Coding change: c.3543C>T on transcript NM_021098.3 (MANE Select); coding-DNA position 3543, C replaced by T.
Protein change: p.Asp1181=; no amino-acid change (aspartic acid 1181 retained).
Molecular consequence: synonymous variant.
Genome position (GRCh38, 1-based): chr16:1,209,211, C>T. VCF-style: chr16-1209211-C-T. GRCh37 (hg19) VCF-style: chr16-1259211-C-T.
Other names: c.3543C>T, p.Asp1181= (NM_001005407.2).
Identifiers: ClinVar variation 735151 (VCV000735151.11), dbSNP rs958144782, ClinGen allele CA276664478.
Genomic context (GRCh38, chr16:1,209,211, plus strand): 5'-GGAACGTGAGTCCCTGCTGTCTGGCGAGGGCAAGGGCAGCACCGACGACGAAGCTGAGGA[C>T]GGCAGGGCCGCGCCCGGGCCCCGTGCCACCCCACTGCGGCGGGCCGAGTCCCTGGACCCA-3'
Protein context (NP_066921.2, residues 1171-1191): GKGSTDDEAE[Asp1181=]GRAAPGPRAT